The following is an entry in ClinVar:

NM_000057.4(BLM):c.1358T>C (p.Leu453Ser)

Gene: BLM (BLM RecQ like helicase; plus strand). Cytogenetic location: 15q26.1.
Variant type: single nucleotide variant.
Coding change: c.1358T>C on transcript NM_000057.4 (MANE Select); coding-DNA position 1358, T replaced by C.
Protein change: p.Leu453Ser; replaces leucine 453 with serine.
Molecular consequence: missense variant.
Genome position (GRCh38, 1-based): chr15:90,760,731, T>C. VCF-style: chr15-90760731-T-C. GRCh37 (hg19) VCF-style: chr15-91303961-T-C.
Other names: c.1358T>C, p.Leu453Ser (NM_001287246.2, NM_001287247.2); c.233T>C, p.Leu78Ser (NM_001287248.2); short protein forms L453S, L78S.
Identifiers: ClinVar variation 2765266 (VCV002765266.3), dbSNP rs730881428, ClinGen allele CA393842888.

ClinVar aggregate classification (germline): Uncertain significance (1 of 4 stars; one submission).

Conditions:
Bloom syndrome (BLM). Also called: Bloom-Torre-Machacek syndrome. Identifiers: Orphanet 125, MedGen C0005859, MONDO:0008876, OMIM 210900.

Submission:

Labcorp Genetics (formerly Invitae), Labcorp
Classification: Uncertain significance for Bloom syndrome. Last evaluated: 2023-10-04. Review status: criteria provided, single submitter. Criteria: Invitae Variant Classification Sherloc (09022015). Collection method: clinical testing. Allele origin: germline.
Comment: This sequence change replaces leucine, which is neutral and non-polar, with serine, which is neutral and polar, at codon 453 of the BLM protein (p.Leu453Ser). This variant is not present in population databases (gnomAD no frequency). This variant has not been reported in the literature in individuals affected with BLM-related conditions. Advanced modeling of protein sequence and biophysical properties (such as structural, functional, and spatial information, amino acid conservation, physicochemical variation, residue mobility, and thermodynamic stability) performed at Invitae indicates that this missense variant is not expected to disrupt BLM protein function. In summary, the available evidence is currently insufficient to determine the role of this variant in disease. Therefore, it has been classified as a Variant of Uncertain Significance.